The following is an entry in ClinVar:

ClinVar aggregate classification (germline): Uncertain significance (1 of 4 stars; one submission).

Conditions:
Congenital contractural arachnodactyly (CCA). Also called: BEALS SYNDROME; Arthrogryposis, distal, type 9; Beals-Hecht syndrome. Identifiers: Orphanet 115, MedGen C0220668, MONDO:0007363, OMIM 121050.

gnomAD v4.1: 1 of 1,614,220 alleles (0.000062%); highest among the groups gnomAD compares: Non-Finnish European, 0.000085%; no homozygotes.

Submission:

Labcorp Genetics (formerly Invitae), Labcorp
Classification: Uncertain significance for Congenital contractural arachnodactyly. Last evaluated: 2024-10-30. Review status: criteria provided, single submitter. Criteria: Invitae Variant Classification Sherloc (09022015). Collection method: clinical testing. Allele origin: germline.
Comment: This sequence change replaces cysteine, which is neutral and slightly polar, with arginine, which is basic and polar, at codon 254 of the FBN2 protein (p.Cys254Arg). This variant is not present in population databases (gnomAD no frequency). This variant has not been reported in the literature in individuals affected with FBN2-related conditions. Invitae Evidence Modeling of protein sequence and biophysical properties (such as structural, functional, and spatial information, amino acid conservation, physicochemical variation, residue mobility, and thermodynamic stability) has been performed for this missense variant. However, the output from this modeling did not meet the statistical confidence thresholds required to predict the impact of this variant on FBN2 protein function. In summary, the available evidence is currently insufficient to determine the role of this variant in disease. Therefore, it has been classified as a Variant of Uncertain Significance.

NM_001999.4(FBN2):c.760T>C (p.Cys254Arg)

Gene: FBN2 (fibrillin 2; minus strand). Cytogenetic location: 5q23.3.
Variant type: single nucleotide variant.
Coding change: c.760T>C on transcript NM_001999.4 (MANE Select); coding-DNA position 760, T replaced by C.
Protein change: p.Cys254Arg; replaces cysteine 254 with arginine.
Molecular consequence: missense variant.
Genome position (GRCh38, 1-based): chr5:128,464,790, A>G on the plus strand (T>C on the coding strand, the complement: FBN2 is on the minus strand). VCF-style: chr5-128464790-A-G. GRCh37 (hg19) VCF-style: chr5-127800483-A-G.
Other names: short protein forms C254R.
Identifiers: ClinVar variation 3635539 (VCV003635539.2).